The following is an entry in ClinVar:

ClinVar aggregate classification (germline): Uncertain significance. Review status: criteria provided, multiple submitters, no conflicts (2 of 4 stars). 2 submissions from 2 submitters: Uncertain significance (2). Last evaluated 2021-10-05.

Conditions:
Severe combined immunodeficiency due to DNA-PKcs deficiency. Also called: IMMUNODEFICIENCY 26 WITH NEUROLOGIC ABNORMALITIES; Immunodeficiency 26 with or without neurologic abnormalities. Identifiers: Orphanet 317425, MedGen C4014833, MONDO:0014423, OMIM 615966.

Submissions (2):

Ambry Genetics
Classification: Uncertain significance. Last evaluated: 2021-10-05. Review status: criteria provided, single submitter. Criteria: Ambry Variant Classification Scheme 2023. Collection method: clinical testing. Allele origin: germline.
Comment: The p.P1810S variant (also known as c.5428C>T), located in coding exon 41 of the PRKDC gene, results from a C to T substitution at nucleotide position 5428. The proline at codon 1810 is replaced by serine, an amino acid with similar properties. This amino acid position is conserved. In addition, this alteration is predicted to be tolerated by in silico analysis. Since supporting evidence is limited at this time, the clinical significance of this alteration remains unclear.

Labcorp Genetics (formerly Invitae), Labcorp
Classification: Uncertain significance for Severe combined immunodeficiency due to DNA-PKcs deficiency. Last evaluated: 2019-04-11. Review status: criteria provided, single submitter. Criteria: Invitae Variant Classification Sherloc (09022015). Collection method: clinical testing. Allele origin: germline.
Comment: This sequence change replaces proline with serine at codon 1810 of the PRKDC protein (p.Pro1810Ser). The proline residue is weakly conserved and there is a moderate physicochemical difference between proline and serine. This variant is not present in population databases (ExAC no frequency). This variant has not been reported in the literature in individuals with PRKDC-related conditions. Algorithms developed to predict the effect of missense changes on protein structure and function (SIFT, PolyPhen-2, Align-GVGD) all suggest that this variant is likely to be tolerated, but these predictions have not been confirmed by published functional studies and their clinical significance is uncertain. In summary, the available evidence is currently insufficient to determine the role of this variant in disease. Therefore, it has been classified as a Variant of Uncertain Significance.

NM_006904.7(PRKDC):c.5428C>T (p.Pro1810Ser)

Gene: PRKDC (protein kinase, DNA-activated, catalytic subunit; minus strand). Cytogenetic location: 8q11.21.
Variant type: single nucleotide variant.
Coding change: c.5428C>T on transcript NM_006904.7 (MANE Select); coding-DNA position 5428, C replaced by T.
Protein change: p.Pro1810Ser; replaces proline 1810 with serine.
Molecular consequence: missense variant.
Genome position (GRCh38, 1-based): chr8:47,864,699, G>A on the plus strand (C>T on the coding strand, the complement: PRKDC is on the minus strand). VCF-style: chr8-47864699-G-A. GRCh37 (hg19) VCF-style: chr8-48777260-G-A.
Other names: c.5428C>T, p.Pro1810Ser (NM_001081640.2); short protein forms P1810S.
Identifiers: ClinVar variation 851853 (VCV000851853.10), dbSNP rs2088765614, ClinGen allele CA371163582.